The following is an entry in ClinVar:

NM_001365536.1(SCN9A):c.2009G>T (p.Cys670Phe)

Genes: SCN1A-AS1 (SCN1A and SCN9A antisense RNA 1; plus strand), SCN9A (sodium voltage-gated channel alpha subunit 9; minus strand). Cytogenetic location: 2q24.3.
Variant type: single nucleotide variant.
Coding change: c.2009G>T on transcript NM_001365536.1 (MANE Select); coding-DNA position 2009, G replaced by T.
Protein change: p.Cys670Phe; replaces cysteine 670 with phenylalanine.
Molecular consequence: missense variant.
Genome position (GRCh38, 1-based): chr2:166,281,774, C>A on the plus strand (G>T on the coding strand, the complement: SCN9A is on the minus strand). VCF-style: chr2-166281774-C-A. GRCh37 (hg19) VCF-style: chr2-167138284-C-A.
Other names: c.1976G>T, p.Cys659Phe (NM_002977.4); short protein forms C670F, C659F.
Identifiers: ClinVar variation 2926073 (VCV002926073.3), dbSNP rs1295530014, ClinGen allele CA349081274.

ClinVar aggregate classification (germline): Uncertain significance (1 of 4 stars; one submission).

Conditions:
Neuropathy, hereditary sensory and autonomic, type 2A (HSAN2A). Also called: MORVAN DISEASE; NEUROPATHY, CONGENITAL SENSORY; NEUROPATHY, HEREDITARY SENSORY RADICULAR, AUTOSOMAL RECESSIVE; NEUROPATHY, HEREDITARY SENSORY, TYPE IIA; NEUROPATHY, PROGRESSIVE SENSORY, OF CHILDREN; ACROOSTEOLYSIS, GIACCAI TYPE. Identifiers: Orphanet 970, MedGen C2752089, MONDO:0024309, OMIM 201300.
Generalized epilepsy with febrile seizures plus, type 7 (GEFSP7). Also called: GEFS+, TYPE 7. Identifiers: Orphanet 36387, MedGen C2751778, MONDO:0013470, OMIM 613863.

Submission:

Labcorp Genetics (formerly Invitae), Labcorp
Classification: Uncertain significance for Neuropathy, hereditary sensory and autonomic, type 2A; Generalized epilepsy with febrile seizures plus, type 7. Last evaluated: 2025-11-06. Review status: criteria provided, single submitter. Criteria: Invitae Variant Classification Sherloc (09022015). Collection method: clinical testing. Allele origin: germline.
Comment: This sequence change replaces cysteine, which is neutral and slightly polar, with phenylalanine, which is neutral and non-polar, at codon 659 of the SCN9A protein (p.Cys659Phe). This variant is not present in population databases (gnomAD no frequency). This variant has not been reported in the literature in individuals affected with SCN9A-related conditions. ClinVar contains an entry for this variant (Variation ID: 2926073). Invitae Evidence Modeling of protein sequence and biophysical properties (such as structural, functional, and spatial information, amino acid conservation, physicochemical variation, residue mobility, and thermodynamic stability) indicates that this missense variant is not expected to disrupt SCN9A protein function with a negative predictive value of 95%. In summary, the available evidence is currently insufficient to determine the role of this variant in disease. Therefore, it has been classified as a Variant of Uncertain Significance.